The following is an entry in ClinVar:

NM_002693.3(POLG):c.903C>A (p.Ile301=)

Gene: POLG (DNA polymerase gamma, catalytic subunit; minus strand). Cytogenetic location: 15q26.1.
Variant type: single nucleotide variant.
Coding change: c.903C>A on transcript NM_002693.3 (MANE Select); coding-DNA position 903, C replaced by A.
Protein change: p.Ile301=; no amino-acid change (isoleucine 301 retained).
Molecular consequence: synonymous variant.
Genome position (GRCh38, 1-based): chr15:89,329,063, G>T on the plus strand (C>A on the coding strand, the complement: POLG is on the minus strand). VCF-style: chr15-89329063-G-T. GRCh37 (hg19) VCF-style: chr15-89872294-G-T.
Other names: c.903C>A (NM_002693.2); c.903C>A, p.Ile301= (NM_001126131.2).
Identifiers: ClinVar variation 1132087 (VCV001132087.10), dbSNP rs769104909, ClinGen allele CA7725002.
Genomic context (GRCh38, chr15:89,329,063, plus strand): 5'-CTTGTGTTTGCCCTGCTTGGCTGCTATCCACAGACTGCGCTGGAAGCTGCTTAGCCCTGA[G>T]ATGGCCATGTGCATGCTCATGGTGTCCAGGAAACGCATGCGGGAACCCTGAGGAGGAGGA-3'
Protein context (NP_002684.1, residues 291-311): FLDTMSMHMA[Ile301=]SGLSSFQRSL

ClinVar aggregate classification (germline): Likely benign. Review status: criteria provided, multiple submitters, no conflicts (2 of 4 stars). 2 submissions from 2 submitters: Likely benign (2). Last evaluated 2025-12-08.

Conditions:
POLG-related disorder. Also called: POLG-Related Spectrum Disorders; POLG-related condition; POLG-Related Disorders. Identifiers: MedGen C4763519.
Progressive sclerosing poliodystrophy (MTDPS4A). Also called: ALPERS PROGRESSIVE INFANTILE POLIODYSTROPHY; Mitochondrial DNA depletion syndrome 4A (Alpers type); Alpers-Huttenlocher Syndrome; Alpers Syndrome; ALPERS DIFFUSE DEGENERATION OF CEREBRAL GRAY MATTER WITH HEPATIC CIRRHOSIS; NEURONAL DEGENERATION OF CHILDHOOD WITH LIVER DISEASE, PROGRESSIVE. Identifiers: Orphanet 726, MedGen C0205710, MONDO:0008758, OMIM 203700.

Allele frequency attached by ClinVar (database versions not stated): gnomAD 0.00001 and 0.00002; gnomAD exomes 0.00002; ExAC 0.00003; TOPMed 0.00003.
gnomAD v4.1: 29 of 1,612,946 alleles (0.0018%); highest among the groups gnomAD compares: Admixed American, 0.0083%; no homozygotes.

Submissions (2):

Labcorp Genetics (formerly Invitae), Labcorp
Classification: Likely benign for Progressive sclerosing poliodystrophy. Last evaluated: 2025-12-08. Review status: criteria provided, single submitter. Criteria: Invitae Variant Classification Sherloc (09022015). Collection method: clinical testing. Allele origin: germline.

PreventionGenetics, part of Exact Sciences
Classification: Likely benign for POLG-related condition. Last evaluated: 2024-10-26. Review status: criteria provided, single submitter. Criteria: ACMG Guidelines, 2015. Collection method: clinical testing. Allele origin: germline.
Comment: This variant is classified as likely benign based on ACMG/AMP sequence variant interpretation guidelines (Richards et al. 2015 PMID: 25741868, with internal and published modifications).